The following is an entry in ClinVar:

ClinVar aggregate classification (germline): Uncertain significance (1 of 4 stars; one submission).

Submission:

GeneDx
Classification: Uncertain significance. Last evaluated: 2017-11-29. Review status: criteria provided, single submitter. Criteria: GeneDx Variant Classification Process June 2021. Collection method: clinical testing. Allele origin: germline. Affected: yes.
Comment: Not observed in large population cohorts (Lek et al., 2016); In silico analyses, including protein predictors and evolutionary conservation, support that this variant does not alter protein structure/function; Has not been previously published as pathogenic or benign to our knowledge

NM_053025.4(MYLK):c.5163A>C (p.Lys1721Asn)

Genes: MYLK (myosin light chain kinase; minus strand), MYLK-AS1 (MYLK antisense RNA 1; plus strand). Cytogenetic location: 3q21.1.
Variant type: single nucleotide variant.
Coding change: c.5163A>C on transcript NM_053025.4 (MANE Select); coding-DNA position 5163, A replaced by C.
Protein change: p.Lys1721Asn; replaces lysine 1721 with asparagine.
Molecular consequence: missense variant.
Genome position (GRCh38, 1-based): chr3:123,626,893, T>G on the plus strand (A>C on the coding strand, the complement: MYLK is on the minus strand). VCF-style: chr3-123626893-T-G. GRCh37 (hg19) VCF-style: chr3-123345740-T-G.
Other names: c.4635A>C, p.Lys1545Asn (NM_001321309.2); c.4956A>C, p.Lys1652Asn (NM_053026.4); c.5010A>C, p.Lys1670Asn (NM_053027.4); c.4803A>C, p.Lys1601Asn (NM_053028.4); short protein forms K1545N, K1601N, K1652N, K1670N, K1721N.
Identifiers: ClinVar variation 1320712 (VCV001320712.2), dbSNP rs2058173535, ClinGen allele CA354232966.